The following is an entry in ClinVar:

NM_177972.3(TUB):c.517G>A (p.Gly173Ser)

Genes: RIC3 (RIC3 acetylcholine receptor chaperone; minus strand), TUB (TUB bipartite transcription factor; plus strand). Cytogenetic location: 11p15.4.
Variant type: single nucleotide variant.
Coding change: c.517G>A on transcript NM_177972.3 (MANE Select); coding-DNA position 517, G replaced by A.
Protein change: p.Gly173Ser; replaces glycine 173 with serine.
Molecular consequence: missense variant.
Genome position (GRCh38, 1-based): chr11:8,095,617, G>A. VCF-style: chr11-8095617-G-A. GRCh37 (hg19) VCF-style: chr11-8117164-G-A.
Other names: c.682G>A, p.Gly228Ser (NM_003320.5); short protein forms G173S, G228S.
Identifiers: ClinVar variation 1479662 (VCV001479662.8), dbSNP rs1294542296, ClinGen allele CA379566500.

ClinVar aggregate classification (germline): Uncertain significance (1 of 4 stars; one submission).

Allele frequency attached by ClinVar (database versions not stated): gnomAD exomes 0.00001.
gnomAD v4.1: 13 of 1,611,738 alleles (0.00081%); highest among the groups gnomAD compares: Non-Finnish European, 0.001%; no homozygotes.

Submission:

Labcorp Genetics (formerly Invitae), Labcorp
Classification: Uncertain significance. Last evaluated: 2023-11-13. Review status: criteria provided, single submitter. Criteria: Invitae Variant Classification Sherloc (09022015). Collection method: clinical testing. Allele origin: germline.
Comment: This sequence change replaces glycine, which is neutral and non-polar, with serine, which is neutral and polar, at codon 228 of the TUB protein (p.Gly228Ser). This variant is present in population databases (no rsID available, gnomAD 0.003%). This variant has not been reported in the literature in individuals affected with TUB-related conditions. ClinVar contains an entry for this variant (Variation ID: 1479662). An algorithm developed to predict the effect of missense changes on protein structure and function (PolyPhen-2) suggests that this variant is likely to be tolerated. In summary, the available evidence is currently insufficient to determine the role of this variant in disease. Therefore, it has been classified as a Variant of Uncertain Significance.